The following is an entry in ClinVar:

ClinVar aggregate classification (germline): Likely benign. Review status: criteria provided, single submitter (1 of 4 stars). 2 submissions from 2 submitters: Likely benign (1). 1 of the submissions does not count toward it. Last evaluated 2025-12-14.

Conditions:
TCIRG1-related disorder. Also called: TCIRG1-related condition.

Allele frequency attached by ClinVar (database versions not stated): TOPMed 0.00002.
gnomAD v4.1: 13 of 1,613,668 alleles (0.00081%); highest among the groups gnomAD compares: East Asian, 0.0022%; no homozygotes.

Submissions (2):

Labcorp Genetics (formerly Invitae), Labcorp
Classification: Likely benign. Last evaluated: 2025-12-14. Review status: criteria provided, single submitter. Criteria: Invitae Variant Classification Sherloc (09022015). Collection method: clinical testing. Allele origin: germline.

PreventionGenetics, part of Exact Sciences
Classification: Likely benign for TCIRG1-related condition. Last evaluated: 2020-12-23. Review status: no assertion criteria provided. Collection method: clinical testing. Allele origin: germline. Not counted in ClinVar's aggregate classification.
Comment: This variant is classified as likely benign based on ACMG/AMP sequence variant interpretation guidelines (Richards et al. 2015 PMID: 25741868, with internal and published modifications).

NM_006019.4(TCIRG1):c.1293C>T (p.Ala431=)

Gene: TCIRG1 (T cell immune regulator 1, ATPase H+ transporting V0 subunit a3; plus strand). Cytogenetic location: 11q13.2.
Variant type: single nucleotide variant.
Coding change: c.1293C>T on transcript NM_006019.4 (MANE Select); coding-DNA position 1293, C replaced by T.
Protein change: p.Ala431=; no amino-acid change (alanine 431 retained).
Molecular consequence: synonymous variant.
Genome position (GRCh38, 1-based): chr11:68,047,560, C>T. VCF-style: chr11-68047560-C-T. GRCh37 (hg19) VCF-style: chr11-67815027-C-T.
Other names: c.1293C>T (NM_006019.3); c.399C>T, p.Ala133= (NM_001351059.2); c.645C>T, p.Ala215= (NM_006053.4).
Identifiers: ClinVar variation 1625011 (VCV001625011.10), dbSNP rs372063415, ClinGen allele CA6147046.
Genomic context (GRCh38, chr11:68,047,560, plus strand): 5'-GCTCATGTTCCTGTTCGCCCTGGCCATGGTCCTTGCGGAGAACCGACCGGCTGTGAAGGC[C>T]GCGCAGAACGAGGTGAGGGGCGGGGCTGGGGTCCTGATGAGGGTAGCAGGGCCAGGCAGC-3'
Protein context (NP_006010.2, residues 421-441): VLAENRPAVK[Ala431=]AQNEIWQTFF